The following is an entry in ClinVar:

NM_001017995.3(SH3PXD2B):c.843G>A (p.Glu281=)

Gene: SH3PXD2B (SH3 and PX domains 2B; minus strand). Cytogenetic location: 5q35.1.
Variant type: single nucleotide variant.
Coding change: c.843G>A on transcript NM_001017995.3 (MANE Select); coding-DNA position 843, G replaced by A.
Protein change: p.Glu281=; no amino-acid change (glutamic acid 281 retained).
Molecular consequence: synonymous variant.
Genome position (GRCh38, 1-based): chr5:172,350,532, C>T on the plus strand (G>A on the coding strand, the complement: SH3PXD2B is on the minus strand). VCF-style: chr5-172350532-C-T. GRCh37 (hg19) VCF-style: chr5-171777536-C-T.
Other names: c.843G>A, p.Glu281= (NM_001308175.2).
Identifiers: ClinVar variation 257059 (VCV000257059.16), dbSNP rs138021995, ClinGen allele CA3561402.

ClinVar aggregate classification (germline): Benign/Likely benign. Review status: criteria provided, multiple submitters, no conflicts (2 of 4 stars). 5 submissions from 5 submitters: Benign (1); Likely benign (4). Last evaluated 2026-01-11.

Conditions:
Frank-Ter Haar syndrome. Also called: Borrone di Rocco Crovato syndrome; TER HAAR SYNDROME; MELNICK-NEEDLES SYNDROME, AUTOSOMAL RECESSIVE; BORRONE DERMATOCARDIOSKELETAL SYNDROME. Identifiers: Orphanet 1266, Orphanet 137834, MedGen C1855305, MONDO:0009579, OMIM 249420.

Allele frequency attached by ClinVar (database versions not stated): gnomAD exomes 0.00019 and 0.00050; ExAC 0.00068; 1000 Genomes Project 30x 0.00156; 1000 Genomes Project 0.00160; gnomAD 0.00196 and 0.00215; TOPMed 0.00215; ESP Exome Variant Server 0.00300.
gnomAD v4.1: 570 of 1,613,970 alleles (0.035%); highest among the groups gnomAD compares: African/African-American, 0.71%; 4 homozygotes.

Submissions (5):

Labcorp Genetics (formerly Invitae), Labcorp
Classification: Benign. Last evaluated: 2026-01-11. Review status: criteria provided, single submitter. Criteria: Invitae Variant Classification Sherloc (09022015). Collection method: clinical testing. Allele origin: germline.

Blueprint Genetics
Classification: Likely benign. Last evaluated: 2023-07-27. Review status: criteria provided, single submitter. Criteria: ACMG Guidelines, 2015. Collection method: clinical testing. Allele origin: germline.

Illumina Laboratory Services, Illumina
Classification: Likely benign for Frank-Ter Haar syndrome. Last evaluated: 2018-01-12. Review status: criteria provided, single submitter. Criteria: ICSL Variant Classification Criteria 13 December 2019. Collection method: clinical testing. Allele origin: germline.
Comment: This variant was observed in the ICSL laboratory as part of a predisposition screen in an ostensibly healthy population. It had not been previously curated by ICSL or reported in the Human Gene Mutation Database (HGMD: prior to June 1st, 2018), and was therefore a candidate for classification through an automated scoring system. Utilizing variant allele frequency, disease prevalence and penetrance estimates, and inheritance mode, an automated score was calculated to assess if this variant is too frequent to cause the disease. Based on the score and internal cut-off values, a variant classified as likely benign is not then subjected to further curation. The score for this variant resulted in a classification of likely benign for this disease.

Breakthrough Genomics
Classification: Likely benign. Review status: criteria provided, single submitter. Criteria: ACMG Guidelines, 2015. Collection method: not provided. Allele origin: germline. Inheritance: Autosomal recessive inheritance. Affected: yes.

PreventionGenetics, part of Exact Sciences
Classification: Likely benign. Review status: criteria provided, single submitter. Criteria: ACMG Guidelines, 2015. Collection method: clinical testing. Allele origin: germline.